The following is an entry in ClinVar:

NM_001033855.3(DCLRE1C):c.1364C>T (p.Ser455Phe)

Gene: DCLRE1C (DNA cross-link repair 1C; minus strand). Cytogenetic location: 10p13.
Variant type: single nucleotide variant.
Coding change: c.1364C>T on transcript NM_001033855.3 (MANE Select); coding-DNA position 1364, C replaced by T.
Protein change: p.Ser455Phe; replaces serine 455 with phenylalanine.
Molecular consequence: missense variant. On other transcripts: non-coding transcript variant (4).
Genome position (GRCh38, 1-based): chr10:14,909,123, G>A on the plus strand (C>T on the coding strand, the complement: DCLRE1C is on the minus strand). VCF-style: chr10-14909123-G-A. GRCh37 (hg19) VCF-style: chr10-14951122-G-A.
Other names: c.1004C>T, p.Ser335Phe (NM_001033857.3, NM_001033858.3, NM_001289077.2 and 2 more transcripts); c.1019C>T, p.Ser340Phe (NM_001289076.2, NM_001289078.2, NM_001350966.2 and 1 more transcripts); c.1364C>T, p.Ser455Phe (NM_001350965.2); short protein forms S340F, S335F, S455F.
Identifiers: ClinVar variation 1394324 (VCV001394324.5), dbSNP rs1358066992, ClinGen allele CA376075777.

ClinVar aggregate classification (germline): Uncertain significance (1 of 4 stars; one submission).

Conditions:
Severe combined immunodeficiency due to DCLRE1C deficiency (RS-SCID). Also called: SCID, AUTOSOMAL RECESSIVE, T CELL-NEGATIVE, B CELL-NEGATIVE, NK CELL-POSITIVE, WITH SENSITIVITY TO IONIZING RADIATION. Identifiers: Orphanet 275, MedGen C1865371, MONDO:0011225, OMIM 602450.

Submission:

Labcorp Genetics (formerly Invitae), Labcorp
Classification: Uncertain significance for Athabaskan severe combined immunodeficiency. Last evaluated: 2021-08-24. Review status: criteria provided, single submitter. Criteria: Invitae Variant Classification Sherloc (09022015). Collection method: clinical testing. Allele origin: germline.
Comment: This sequence change replaces serine with phenylalanine at codon 455 of the DCLRE1C protein (p.Ser455Phe). The serine residue is highly conserved and there is a large physicochemical difference between serine and phenylalanine. This variant is not present in population databases (ExAC no frequency). This variant has not been reported in the literature in individuals affected with DCLRE1C-related conditions. Algorithms developed to predict the effect of missense changes on protein structure and function are either unavailable or do not agree on the potential impact of this missense change (SIFT: "Tolerated"; PolyPhen-2: "Probably Damaging"; Align-GVGD: "Class C0"). In summary, the available evidence is currently insufficient to determine the role of this variant in disease. Therefore, it has been classified as a Variant of Uncertain Significance.